The following is an entry in ClinVar:

ClinVar aggregate classification (germline): Uncertain significance. Review status: criteria provided, multiple submitters, no conflicts (2 of 4 stars). 9 submissions from 9 submitters: Uncertain significance (8). 1 of the submissions does not count toward it. Last evaluated 2026-03-03.

Conditions:
Dilated cardiomyopathy 1W (CMD1W). Identifiers: Orphanet 154, MedGen C1969639, MONDO:0012667, OMIM 611407.
Hypertrophic cardiomyopathy 15. Identifiers: MedGen C2750459, MONDO:0013200, OMIM 613255.
VCL-related disorder. Also called: VCL-related condition.
Cardiovascular phenotype. Identifiers: MedGen CN230736.

Allele frequency attached by ClinVar (database versions not stated): TOPMed 0.00001; gnomAD 0.00003; ExAC 0.00004; gnomAD exomes 0.00004; ESP Exome Variant Server 0.00008; 1000 Genomes Project 30x 0.00016; 1000 Genomes Project 0.00020.
gnomAD v4.1: 66 of 1,613,998 alleles (0.0041%); highest among the groups gnomAD compares: Middle Eastern, 0.016%; no homozygotes.

Submissions (9):

PreventionGenetics, part of Exact Sciences
Classification: Uncertain significance for VCL-related condition. Last evaluated: 2026-03-03. Review status: criteria provided, single submitter. Criteria: ACMG Guidelines, 2015. Collection method: clinical testing. Allele origin: germline.
Comment: The VCL c.1040C>T variant is predicted to result in the amino acid substitution p.Pro347Leu. To our knowledge, this variant has not been reported in the literature. This variant is reported in 0.0070% of alleles in individuals of European (Non-Finnish) descent in gnomAD. At this time, the clinical significance of this variant is uncertain due to the absence of conclusive functional and genetic evidence.

Labcorp Genetics (formerly Invitae), Labcorp
Classification: Uncertain significance for Dilated cardiomyopathy 1W. Last evaluated: 2026-01-04. Review status: criteria provided, single submitter. Criteria: Invitae Variant Classification Sherloc (09022015). Collection method: clinical testing. Allele origin: germline.
Comment: This sequence change replaces proline, which is neutral and non-polar, with leucine, which is neutral and non-polar, at codon 347 of the VCL protein (p.Pro347Leu). This variant is present in population databases (rs148619523, gnomAD 0.007%). This variant has not been reported in the literature in individuals affected with VCL-related conditions. ClinVar contains an entry for this variant (Variation ID: 300786). An algorithm developed to predict the effect of missense changes on protein structure and function (PolyPhen-2) suggests that this variant is likely to be disruptive. In summary, the available evidence is currently insufficient to determine the role of this variant in disease. Therefore, it has been classified as a Variant of Uncertain Significance.

Women's Health and Genetics/Laboratory Corporation of America, LabCorp
Classification: Uncertain significance. Last evaluated: 2024-11-18. Review status: criteria provided, single submitter. Criteria: LabCorp Variant Classification Summary - May 2015. Collection method: clinical testing. Allele origin: germline.
Comment: Variant summary: VCL c.1040C>T (p.Pro347Leu) results in a non-conservative amino acid change in the encoded protein sequence. Three of five in-silico tools predict a benign effect of the variant on protein function. The variant allele was found at a frequency of 3.6e-05 in 250988 control chromosomes. The available data on variant occurrences in the general population are insufficient to allow any conclusion about variant significance. c.1040C>T has been reported in the literature in individuals affected with Cardiomyopathy (Mehany_2022) without evidence for causality. These report(s) do not provide unequivocal conclusions about association of the variant with Cardiomyopathy. To our knowledge, no experimental evidence demonstrating an impact on protein function has been reported. The following publication have been ascertained in the context of this evaluation (PMID: 34036930). ClinVar contains an entry for this variant (Variation ID: 300786). Based on the evidence outlined above, the variant was classified as uncertain significance.

Ambry Genetics
Classification: Uncertain significance for Cardiovascular phenotype. Last evaluated: 2024-10-19. Review status: criteria provided, single submitter. Criteria: Ambry Variant Classification Scheme 2023. Collection method: clinical testing. Allele origin: germline.
Comment: The p.P347L variant (also known as c.1040C>T), located in coding exon 9 of the VCL gene, results from a C to T substitution at nucleotide position 1040. The proline at codon 347 is replaced by leucine, an amino acid with similar properties. This amino acid position is well conserved in available vertebrate species; however, leucine is the reference amino acid in other vertebrate species. In addition, the in silico prediction for this alteration is inconclusive. Since supporting evidence is limited at this time, the clinical significance of this alteration remains unclear.

GeneDx
Classification: Uncertain significance. Last evaluated: 2024-07-23. Review status: criteria provided, single submitter. Criteria: GeneDx Variant Classification Process June 2021. Collection method: clinical testing. Allele origin: germline.
Comment: Identified in association with HCM in published literature (PMID: 30681346); In silico analysis indicates that this missense variant does not alter protein structure/function; This variant is associated with the following publications: (PMID: 30681346)

Mayo Clinic Laboratories, Mayo Clinic
Classification: Uncertain significance. Last evaluated: 2021-09-20. Review status: criteria provided, single submitter. Criteria: ACMG Guidelines, 2015. Collection method: clinical testing. Allele origin: germline.

Fulgent Genetics
Classification: Uncertain significance for Dilated cardiomyopathy 1W; Hypertrophic cardiomyopathy 15. Last evaluated: 2021-08-03. Review status: criteria provided, single submitter. Criteria: ACMG Guidelines, 2015. Collection method: clinical testing. Allele origin: unknown.

Illumina Laboratory Services, Illumina
Classification: Uncertain significance for Dilated cardiomyopathy 1W. Last evaluated: 2018-01-12. Review status: criteria provided, single submitter. Criteria: ICSL Variant Classification Criteria 13 December 2019. Collection method: clinical testing. Allele origin: germline.

Division of Human Genetics, Children's Hospital of Philadelphia
Classification: Uncertain significance for Hypertrophic cardiomyopathy 15; Dilated cardiomyopathy 1W. Last evaluated: 2016-01-25. Review status: no assertion criteria provided. Collection method: research. Allele origin: paternal. Affected: yes. Study: CSER-PediSeq. Not counted in ClinVar's aggregate classification.

Literature cited by the submitters: PubMed 34036930 (cited by Women's Health and Genetics/Laboratory Corporation of America, LabCorp).

NM_014000.3(VCL):c.1040C>T (p.Pro347Leu)

Gene: VCL (vinculin; plus strand). Cytogenetic location: 10q22.2.
Variant type: single nucleotide variant.
Coding change: c.1040C>T on transcript NM_014000.3 (MANE Select); coding-DNA position 1040, C replaced by T.
Protein change: p.Pro347Leu; replaces proline 347 with leucine.
Molecular consequence: missense variant.
Genome position (GRCh38, 1-based): chr10:74,089,213, C>T. VCF-style: chr10-74089213-C-T. GRCh37 (hg19) VCF-style: chr10-75848971-C-T.
Other names: p.Pro347Leu; c.1040C>T, p.Pro347Leu (NM_003373.4); short protein forms P347L.
Identifiers: ClinVar variation 300786 (VCV000300786.24), dbSNP rs148619523, ClinGen allele CA5562919.
Genomic context (GRCh38, chr10:74,089,213, plus strand): 5'-TATTTGAGGGTGTACAATGACAGCATGTGTCTGTTTTGAGCAGAGGACAAGGATCCTCAC[C>T]GGTGGCCATGCAGAAAGCTCAGCAGGTATCTCAGGGTCTGGATGTGCTCACAGCAAAAGT-3'
Protein context (NP_054706.1, residues 337-357): DLRARGQGSS[Pro347Leu]VAMQKAQQVS